The following is an entry in ClinVar:

NM_005918.4(MDH2):c.236-2A>C

Gene: MDH2 (malate dehydrogenase 2; plus strand). Cytogenetic location: 7q11.23.
Variant type: single nucleotide variant.
Coding change: c.236-2A>C on transcript NM_005918.4 (MANE Select); the canonical splice acceptor site of the intron before coding-DNA position 236, A replaced by C.
Molecular consequence: splice acceptor variant.
Genome position (GRCh38, 1-based): chr7:76,057,408, A>C. VCF-style: chr7-76057408-A-C. GRCh37 (hg19) VCF-style: chr7-75686726-A-C.
Other names: c.236-2A>C (NM_001282403.2); c.-86-2A>C (NM_001282404.2).
Identifiers: ClinVar variation 1428487 (VCV001428487.8), dbSNP rs2116673209, ClinGen allele CA367763249.

ClinVar aggregate classification (germline): Likely pathogenic (1 of 4 stars; one submission).

Allele frequency attached by ClinVar (database versions not stated): gnomAD exomes below 0.00001.
gnomAD v4.1: 2 of 1,614,080 alleles (0.00012%); highest among the groups gnomAD compares: Non-Finnish European, 0.00017%; no homozygotes.

Submission:

Labcorp Genetics (formerly Invitae), Labcorp
Classification: Likely pathogenic. Last evaluated: 2024-01-24. Review status: criteria provided, single submitter. Criteria: Invitae Variant Classification Sherloc (09022015). Collection method: clinical testing. Allele origin: germline.
Comment: This sequence change affects an acceptor splice site in intron 2 of the MDH2 gene. It is expected to disrupt RNA splicing. Variants that disrupt the donor or acceptor splice site typically lead to a loss of protein function (PMID: 16199547), and loss-of-function variants in MDH2 are known to be pathogenic (PMID: 27989324). This variant is not present in population databases (gnomAD no frequency). This variant has not been reported in the literature in individuals affected with MDH2-related conditions. ClinVar contains an entry for this variant (Variation ID: 1428487). Algorithms developed to predict the effect of sequence changes on RNA splicing suggest that this variant may disrupt the consensus splice site. In summary, the currently available evidence indicates that the variant is pathogenic, but additional data are needed to prove that conclusively. Therefore, this variant has been classified as Likely Pathogenic.

Literature cited by the submitters: PubMed 16199547; PubMed 27989324.